The following is an entry in ClinVar:

NM_022370.4(ROBO3):c.2020C>T (p.Arg674Cys)

Gene: ROBO3 (roundabout guidance receptor 3; plus strand). Cytogenetic location: 11q24.2.
Variant type: single nucleotide variant.
Coding change: c.2020C>T on transcript NM_022370.4 (MANE Select); coding-DNA position 2020, C replaced by T.
Protein change: p.Arg674Cys; replaces arginine 674 with cysteine.
Molecular consequence: missense variant.
Genome position (GRCh38, 1-based): chr11:124,874,856, C>T. VCF-style: chr11-124874856-C-T. GRCh37 (hg19) VCF-style: chr11-124744752-C-T.
Other names: short protein forms R674C.
Identifiers: ClinVar variation 225079 (VCV000225079.12), dbSNP rs201405429, ClinGen allele CA358226.

ClinVar aggregate classification (germline): Conflicting classifications of pathogenicity. Review status: criteria provided, conflicting classifications (1 of 4 stars). 4 submissions from 4 submitters: Uncertain significance (2); Benign (1). 1 of the submissions does not count toward it. Last evaluated 2018-11-06.

Conditions:
ROBO3-related disorder. Also called: ROBO3-related condition.
Inborn genetic diseases. Identifiers: MedGen C0950123, MeSH D030342.
Gaze palsy, familial horizontal, with progressive scoliosis 1 (HGPPS1). Identifiers: Orphanet 2744, MedGen C4551964, MONDO:0020790, OMIM 607313.

Allele frequency attached by ClinVar (database versions not stated): 1000 Genomes Project 30x 0.00016; TOPMed 0.00072; gnomAD 0.00073 and 0.00071; gnomAD exomes 0.00089 and 0.00110; ESP Exome Variant Server 0.00090; ExAC 0.00146; 1000 Genomes Project 0.00020.
gnomAD v4.1: 1,403 of 1,599,796 alleles (0.088%); highest among the groups gnomAD compares: Middle Eastern, 0.18%; 2 homozygotes.

Submissions (4):

Labcorp Genetics (formerly Invitae), Labcorp
Classification: Benign. Last evaluated: 2018-11-06. Review status: criteria provided, single submitter. Criteria: Invitae Variant Classification Sherloc (09022015). Collection method: clinical testing. Allele origin: germline.

Illumina Laboratory Services, Illumina
Classification: Uncertain significance for Gaze palsy, familial horizontal, with progressive scoliosis 1. Last evaluated: 2018-01-13. Review status: criteria provided, single submitter. Criteria: ICSL Variant Classification Criteria 13 December 2019. Collection method: clinical testing. Allele origin: germline.

Ambry Genetics
Classification: Uncertain significance for Inborn genetic diseases. Last evaluated: 2013-11-15. Review status: criteria provided, single submitter. Criteria: Ambry Autosomal Dominant and X-Linked criteria (10/2015). Collection method: clinical testing. Allele origin: germline. Observed: 1 variant allele.
Comment: There is insufficient or conflicting evidence for classification of this alteration.

PreventionGenetics, part of Exact Sciences
Classification: Benign for ROBO3-related condition. Last evaluated: 2024-09-17. Review status: no assertion criteria provided. Collection method: clinical testing. Allele origin: germline. Not counted in ClinVar's aggregate classification.
Comment: This variant is classified as benign based on ACMG/AMP sequence variant interpretation guidelines (Richards et al. 2015 PMID: 25741868, with internal and published modifications).